The following is an entry in ClinVar:

ClinVar aggregate classification (germline): Conflicting classifications of pathogenicity. Review status: criteria provided, conflicting classifications (1 of 4 stars). 2 submissions from 2 submitters: Uncertain significance (1); Likely benign (1). Last evaluated 2024-12-03.

Conditions:
DYRK1A-related intellectual disability syndrome (MRD7). Also called: Intellectual developmental disorder, autosomal dominant 7; DYRK1A Syndrome. Identifiers: Orphanet 464306, MedGen C5568143, MONDO:0013578, OMIM 614104.

Allele frequency attached by ClinVar (database versions not stated): gnomAD exomes below 0.00001 and 0.00001; TOPMed 0.00002; gnomAD 0.00003.
gnomAD v4.1: 8 of 1,611,466 alleles (0.0005%); highest among the groups gnomAD compares: Admixed American, 0.013%; no homozygotes.

Submissions (2):

Labcorp Genetics (formerly Invitae), Labcorp
Classification: Uncertain significance for DYRK1A-related intellectual disability syndrome. Last evaluated: 2024-12-03. Review status: criteria provided, single submitter. Criteria: Invitae Variant Classification Sherloc (09022015). Collection method: clinical testing. Allele origin: germline.
Comment: This sequence change falls in intron 1 of the DYRK1A gene. It does not directly change the encoded amino acid sequence of the DYRK1A protein. It affects a nucleotide within the consensus splice site. This variant is present in population databases (no rsID available, gnomAD 0.009%). This variant has not been reported in the literature in individuals affected with DYRK1A-related conditions. ClinVar contains an entry for this variant (Variation ID: 386994). Variants that disrupt the consensus splice site are a relatively common cause of aberrant splicing (PMID: 17576681, 9536098). Algorithms developed to predict the effect of sequence changes on RNA splicing suggest that this variant is not likely to affect RNA splicing. In summary, the available evidence is currently insufficient to determine the role of this variant in disease. Therefore, it has been classified as a Variant of Uncertain Significance.

GeneDx
Classification: Likely benign. Last evaluated: 2016-06-21. Review status: criteria provided, single submitter. Criteria: GeneDx Variant Classification (06012015). Collection method: clinical testing. Allele origin: germline. Affected: yes.
Comment: This variant is considered likely benign or benign based on one or more of the following criteria: it is a conservative change, it occurs at a poorly conserved position in the protein, it is predicted to be benign by multiple in silico algorithms, and/or has population frequency not consistent with disease.

Literature cited by the submitters: PubMed 17576681 (cited by Labcorp Genetics (formerly Invitae), Labcorp); PubMed 9536098 (cited by Labcorp Genetics (formerly Invitae), Labcorp).

NM_001347721.2(DYRK1A):c.10+6T>G

Gene: DYRK1A (dual specificity tyrosine phosphorylation regulated kinase 1A; plus strand). Cytogenetic location: 21q22.13.
Variant type: single nucleotide variant.
Coding change: c.10+6T>G on transcript NM_001347721.2 (MANE Select); 6 bases into the intron after coding-DNA position 10, T replaced by G.
Molecular consequence: intron variant.
Genome position (GRCh38, 1-based): chr21:37,420,390, T>G. VCF-style: chr21-37420390-T-G. GRCh37 (hg19) VCF-style: chr21-38792692-T-G.
Other names: c.10+6T>G (NM_101395.2, NM_130436.2, NM_130438.2 and 2 more transcripts); c.-77-52294T>G (NM_001347723.2).
Identifiers: ClinVar variation 386994 (VCV000386994.6), dbSNP rs1057522660, ClinGen allele CA16608541.